The following is an entry in ClinVar:

ClinVar aggregate classification (germline): Uncertain significance. Review status: criteria provided, multiple submitters, no conflicts (2 of 4 stars). 2 submissions from 2 submitters: Uncertain significance (2). Last evaluated 2024-01-08.

Conditions:
Hereditary cancer-predisposing syndrome. Also called: Neoplastic Syndromes, Hereditary; Tumor predisposition; Hereditary Cancer Syndrome; Hereditary neoplastic syndrome. Identifiers: Orphanet 140162, MedGen C0027672, MeSH D009386, MONDO:0015356.
Gastrointestinal stromal tumor. Also called: Gastrointestinal stromal tumor, somatic; Gastrointestinal stroma tumor. Identifiers: Orphanet 44890, MedGen C0238198, MeSH D046152, MONDO:0011719, OMIM 606764, HP:0100723.

Submissions (2):

Labcorp Genetics (formerly Invitae), Labcorp
Classification: Uncertain significance for Gastrointestinal stromal tumor. Last evaluated: 2024-01-08. Review status: criteria provided, single submitter. Criteria: Invitae Variant Classification Sherloc (09022015). Collection method: clinical testing. Allele origin: germline.
Comment: This sequence change replaces alanine, which is neutral and non-polar, with glutamic acid, which is acidic and polar, at codon 827 of the PDGFRA protein (p.Ala827Glu). This variant is not present in population databases (gnomAD no frequency). This variant has not been reported in the literature in individuals affected with PDGFRA-related conditions. ClinVar contains an entry for this variant (Variation ID: 1791912). Advanced modeling of protein sequence and biophysical properties (such as structural, functional, and spatial information, amino acid conservation, physicochemical variation, residue mobility, and thermodynamic stability) has been performed at Invitae for this missense variant, however the output from this modeling did not meet the statistical confidence thresholds required to predict the impact of this variant on PDGFRA protein function. In summary, the available evidence is currently insufficient to determine the role of this variant in disease. Therefore, it has been classified as a Variant of Uncertain Significance.

Ambry Genetics
Classification: Uncertain significance for Hereditary cancer-predisposing syndrome. Last evaluated: 2022-06-27. Review status: criteria provided, single submitter. Criteria: Ambry Variant Classification Scheme 2023. Collection method: clinical testing. Allele origin: germline.
Comment: The p.A827E variant (also known as c.2480C>A), located in coding exon 17 of the PDGFRA gene, results from a C to A substitution at nucleotide position 2480. The alanine at codon 827 is replaced by glutamic acid, an amino acid with dissimilar properties. This amino acid position is conserved. In addition, this alteration is predicted to be deleterious by in silico analysis. Since supporting evidence is limited at this time, the clinical significance of this alteration remains unclear.

NM_006206.6(PDGFRA):c.2480C>A (p.Ala827Glu)

Gene: PDGFRA (platelet derived growth factor receptor alpha; plus strand). Cytogenetic location: 4q12.
Variant type: single nucleotide variant.
Coding change: c.2480C>A on transcript NM_006206.6 (MANE Select); coding-DNA position 2480, C replaced by A.
Protein change: p.Ala827Glu; replaces alanine 827 with glutamic acid.
Molecular consequence: missense variant.
Genome position (GRCh38, 1-based): chr4:54,285,881, C>A. VCF-style: chr4-54285881-C-A. GRCh37 (hg19) VCF-style: chr4-55152048-C-A.
Other names: c.2555C>A, p.Ala852Glu (NM_001347828.2); c.2480C>A, p.Ala827Glu (NM_001347829.2); c.2519C>A, p.Ala840Glu (NM_001347830.2); short protein forms A840E, A852E, A827E.
Identifiers: ClinVar variation 1791912 (VCV001791912.5), dbSNP rs750553538, ClinGen allele CA356894932.
Genomic context (GRCh38, chr4:54,285,881, plus strand): 5'-TTTCTTCCTTTTCCATGCAGTGTGTCCACCGTGATCTGGCTGCTCGCAACGTCCTCCTGG[C>A]ACAAGGAAAAATTGTGAAGATCTGTGACTTTGGCCTGGCCAGAGACATCATGCATGATTC-3'
Protein context (NP_006197.1, residues 817-837): RDLAARNVLL[Ala827Glu]QGKIVKICDF